The following is an entry in ClinVar:

ClinVar aggregate classification (germline): Uncertain significance (1 of 4 stars; one submission).

Conditions:
Hajdu-Cheney syndrome (HJCYS). Also called: ACROOSTEOLYSIS WITH OSTEOPOROSIS AND CHANGES IN SKULL AND MANDIBLE; Acroosteolysis dominant type; SERPENTINE FIBULA-POLYCYSTIC KIDNEY SYNDROME. Identifiers: Orphanet 955, MedGen C0917715, MONDO:0007057, OMIM 102500.

Submission:

Labcorp Genetics (formerly Invitae), Labcorp
Classification: Uncertain significance for Hajdu-Cheney syndrome. Last evaluated: 2021-09-09. Review status: criteria provided, single submitter. Criteria: Invitae Variant Classification Sherloc (09022015). Collection method: clinical testing. Allele origin: germline.
Comment: This sequence change replaces cysteine with tyrosine at codon 1439 of the NOTCH2 protein (p.Cys1439Tyr). The cysteine residue is highly conserved and there is a large physicochemical difference between cysteine and tyrosine. This variant is not present in population databases (ExAC no frequency). This variant has not been reported in the literature in individuals affected with NOTCH2-related conditions. Advanced modeling of protein sequence and biophysical properties (such as structural, functional, and spatial information, amino acid conservation, physicochemical variation, residue mobility, and thermodynamic stability) performed at Invitae indicates that this missense variant is expected to disrupt NOTCH2 protein function. In summary, the available evidence is currently insufficient to determine the role of this variant in disease. Therefore, it has been classified as a Variant of Uncertain Significance.

NM_024408.4(NOTCH2):c.4316G>A (p.Cys1439Tyr)

Gene: NOTCH2 (notch receptor 2; minus strand). Cytogenetic location: 1p12.
Variant type: single nucleotide variant.
Coding change: c.4316G>A on transcript NM_024408.4 (MANE Select); coding-DNA position 4316, G replaced by A.
Protein change: p.Cys1439Tyr; replaces cysteine 1439 with tyrosine.
Molecular consequence: missense variant.
Genome position (GRCh38, 1-based): chr1:119,925,500, C>T on the plus strand (G>A on the coding strand, the complement: NOTCH2 is on the minus strand). VCF-style: chr1-119925500-C-T. GRCh37 (hg19) VCF-style: chr1-120468123-C-T.
Other names: short protein forms C1439Y.
Identifiers: ClinVar variation 1446894 (VCV001446894.6), dbSNP rs2101162209, ClinGen allele CA341890209.
Genomic context (GRCh38, chr1:119,925,500, plus strand): 5'-ATGGTGAGAGAACAGTCACCCCCATCCCACTGGCAGGCATGGCTGTTGCAGGCCTCATCA[C>T]AGACGCCATCCCGAGCTTTGTCGGCACAATACTGGCTCAGACAGGTGGCAGGAGGGGTGC-3'
Protein context (NP_077719.2, residues 1429-1449): YCADKARDGV[Cys1439Tyr]DEACNSHACQ